The following is an entry in ClinVar:

NM_174934.4(SCN4B):c.634G>A (p.Glu212Lys)

Gene: SCN4B (sodium voltage-gated channel beta subunit 4; minus strand). Cytogenetic location: 11q23.3.
Variant type: single nucleotide variant.
Coding change: c.634G>A on transcript NM_174934.4 (MANE Select); coding-DNA position 634, G replaced by A.
Protein change: p.Glu212Lys; replaces glutamic acid 212 with lysine.
Molecular consequence: missense variant. On other transcripts: non-coding transcript variant (1).
Genome position (GRCh38, 1-based): chr11:118,137,080, C>T on the plus strand (G>A on the coding strand, the complement: SCN4B is on the minus strand). VCF-style: chr11-118137080-C-T. GRCh37 (hg19) VCF-style: chr11-118007795-C-T.
Other names: c.232G>A, p.Glu78Lys (NM_001142348.2); c.304G>A, p.Glu102Lys (NM_001142349.2); short protein forms E212K, E102K, E78K.
Identifiers: ClinVar variation 4160639 (VCV004160639.1).

ClinVar aggregate classification (germline): Uncertain significance (1 of 4 stars; one submission).

Conditions:
Cardiovascular phenotype. Identifiers: MedGen CN230736.

Submission:

Ambry Genetics
Classification: Uncertain significance for Cardiovascular phenotype. Last evaluated: 2025-08-19. Review status: criteria provided, single submitter. Criteria: Ambry Variant Classification Scheme 2023. Collection method: clinical testing. Allele origin: germline.
Comment: The p.E212K variant (also known as c.634G>A), located in coding exon 5 of the SCN4B gene, results from a G to A substitution at nucleotide position 634. The glutamic acid at codon 212 is replaced by lysine, an amino acid with similar properties. This amino acid position is conserved. In addition, the in silico prediction for this alteration is inconclusive. Based on the available evidence, the clinical significance of this variant remains unclear.